The following is an entry in ClinVar:

NM_145647.4(TBC1D31):c.1325A>G (p.Glu442Gly)

Gene: TBC1D31 (TBC1 domain family member 31; plus strand). Cytogenetic location: 8q24.13.
Variant type: single nucleotide variant.
Coding change: c.1325A>G on transcript NM_145647.4 (MANE Select); coding-DNA position 1325, A replaced by G.
Protein change: p.Glu442Gly; replaces glutamic acid 442 with glycine.
Molecular consequence: missense variant. On other transcripts: 5 prime UTR variant (1).
Genome position (GRCh38, 1-based): chr8:123,109,509, A>G. VCF-style: chr8-123109509-A-G. GRCh37 (hg19) VCF-style: chr8-124121749-A-G.
Other names: c.1325A>G, p.Glu442Gly (NM_001145088.2, NM_001363148.1, NM_001363150.1 and 2 more transcripts); c.1010A>G, p.Glu337Gly (NM_001330606.2, NM_001363152.1, NM_001363154.1 and 1 more transcripts); c.1295A>G, p.Glu432Gly (NM_001363149.1); c.-42A>G (NM_001363156.1); short protein forms E337G, E432G, E442G.
Identifiers: ClinVar variation 3049432 (VCV003049432.6), dbSNP rs61752913, ClinGen allele CA4863264.
Genomic context (GRCh38, chr8:123,109,509, plus strand): 5'-GGATTAAAATATATTTTTATTTCAGAATGTTCATTTGGCGCTCTCTGCTACAACTGCCTG[A>G]AAATCATACTGCGTTTAGTACCCTCATAGATAAGGGGACTCATGTGGCATTTCTCAACCT-3'
Protein context (NP_663622.2, residues 432-452): FIWRSLLQLP[Glu442Gly]NHTAFSTLID

ClinVar aggregate classification (germline): Likely benign. Review status: criteria provided, single submitter (1 of 4 stars). 2 submissions from 2 submitters: Likely benign (1). 1 of the submissions does not count toward it. Last evaluated 2026-01-01.

Conditions:
TBC1D31-related disorder. Also called: TBC1D31-related condition.

Allele frequency attached by ClinVar (database versions not stated): 1000 Genomes Project 30x 0.00094; 1000 Genomes Project 0.00100; ExAC 0.00269; gnomAD 0.00297; TOPMed 0.00325; ESP Exome Variant Server 0.00346; gnomAD exomes 0.00449.

Submissions (2):

CeGaT Center for Human Genetics Tuebingen
Classification: Likely benign. Last evaluated: 2026-01-01. Review status: criteria provided, single submitter. Criteria: CeGaT Center For Human Genetics Tuebingen Variant Classification Criteria Version 2. Collection method: clinical testing. Allele origin: germline. Affected: yes. Observed: 1 variant allele.
Comment: TBC1D31: BS2

PreventionGenetics, part of Exact Sciences
Classification: Likely benign for TBC1D31-related condition. Last evaluated: 2022-02-28. Review status: no assertion criteria provided. Collection method: clinical testing. Allele origin: germline. Not counted in ClinVar's aggregate classification.
Comment: This variant is classified as likely benign based on ACMG/AMP sequence variant interpretation guidelines (Richards et al. 2015 PMID: 25741868, with internal and published modifications).